The following is an entry in ClinVar:

NM_001009944.3(PKD1):c.1386-3C>G

Gene: PKD1 (polycystin 1, transient receptor potential channel interacting; minus strand). Cytogenetic location: 16p13.3.
Variant type: single nucleotide variant.
Coding change: c.1386-3C>G on transcript NM_001009944.3 (MANE Select); 3 bases into the intron before coding-DNA position 1386, C replaced by G.
Molecular consequence: intron variant.
Genome position (GRCh38, 1-based): chr16:2,117,056, G>C on the plus strand (C>G on the coding strand, the complement: PKD1 is on the minus strand). VCF-style: chr16-2117056-G-C. GRCh37 (hg19) VCF-style: chr16-2167057-G-C.
Other names: c.1386-3C>G (NM_000296.4).
Identifiers: ClinVar variation 3601971 (VCV003601971.2).

ClinVar aggregate classification (germline): Uncertain significance. Review status: criteria provided, multiple submitters, no conflicts (2 of 4 stars). 2 submissions from 2 submitters: Uncertain significance (2). Last evaluated 2026-01-23.

Conditions:
Polycystic kidney disease, adult type (PKD1). Also called: POLYCYSTIC KIDNEY DISEASE, ADULT, TYPE I; Polycystic Kidney, Autosomal Dominant; POLYCYSTIC KIDNEY DISEASE 1 WITH OR WITHOUT POLYCYSTIC LIVER DISEASE; Polycystic Kidney Disease 1, Autosomal Dominant; Polycystic kidney disease 1; Polycystic kidney disease 1, severe. Identifiers: MedGen C3149841, MONDO:0008263, OMIM 173900.

Submissions (2):

3billion
Classification: Uncertain significance for Polycystic kidney disease, adult type. Last evaluated: 2026-01-23. Review status: criteria provided, single submitter. Criteria: ACMG Guidelines, 2015. Collection method: clinical testing. Allele origin: germline. Affected: yes.
Comment: The variant is not observed in the gnomAD v4.1.0 dataset. Predicted Consequence/Location: Intron variant In silico tools predict the variant to alter splicing and produce an abnormal transcript [SpliceAI: 0.81 (>=0.2, moderate evidence for spliceogenicity)]. The variant has been reported as of uncertain significance (ClinVar ID: VCV003601971). Therefore, this variant is classified as VUS according to the recommendation of ACMG/AMP guideline.

MVZ Medizinische Genetik Mainz
Classification: Uncertain significance for Polycystic kidney disease, adult type. Last evaluated: 2025-01-09. Review status: criteria provided, single submitter. Criteria: UK Practice Guidelines For Variant Classification V4 01 2020. Collection method: clinical testing. Allele origin: germline. Inheritance: Autosomal dominant inheritance. Affected: yes. Observed: 1 variant allele.
Comment: ACMG Criteria: PS1_SUP,PM2_SUP,PP3,PP4